The following is an entry in ClinVar:

ClinVar aggregate classification (germline): Conflicting classifications of pathogenicity. Review status: criteria provided, conflicting classifications (1 of 4 stars). 3 submissions from 3 submitters: Likely pathogenic (1); Uncertain significance (2). Last evaluated 2025-03-31.

Conditions:
Deficiency of aromatic-L-amino-acid decarboxylase. Also called: Aromatic L-Amino Acid Decarboxylase Deficiency; Aromatic amino acid decarboxylase deficiency; AADC DEFICIENCY; DDC DEFICIENCY; DOPA DECARBOXYLASE DEFICIENCY. Identifiers: Orphanet 35708, MedGen C1291564, MONDO:0012084, OMIM 608643.

Allele frequency attached by ClinVar (database versions not stated): ExAC 0.00001; gnomAD 0.00001.
gnomAD v4.1: 14 of 1,612,272 alleles (0.00087%); highest among the groups gnomAD compares: South Asian, 0.0022%; no homozygotes.

Submissions (3):

Women's Health and Genetics/Laboratory Corporation of America, LabCorp
Classification: Likely pathogenic for Deficiency of aromatic-L-amino-acid decarboxylase. Last evaluated: 2025-03-31. Review status: criteria provided, single submitter. Criteria: LabCorp Variant Classification Summary - May 2015. Collection method: clinical testing. Allele origin: germline.
Comment: Variant summary: DDC c.1039C>T (p.Arg347Trp) results in a non-conservative amino acid change in the encoded protein sequence. Four of five in-silico tools predict a damaging effect of the variant on protein function. Consensus agreement among computation tools predict no significant impact on normal splicing. However, these predictions have yet to be confirmed by functional studies. The frequency data for this variant in gnomAD is considered unreliable, as metrics indicate poor data quality at this position. c.1039C>T has been reported in the literature in at-least one individual affected with Deficiency Of Aromatic-L-Amino-Acid Decarboxylase (Himmelreich_2022, Himmelreich_2023). These data indicate that the variant may be associated with disease. To our knowledge, no experimental evidence demonstrating an impact on protein function has been reported. The following publications have been ascertained in the context of this evaluation (PMID: 36427457, 37453860). ClinVar contains an entry for this variant (Variation ID: 1058431). Based on the evidence outlined above, the variant was classified as likely pathogenic.

Labcorp Genetics (formerly Invitae), Labcorp
Classification: Uncertain significance for Deficiency of aromatic-L-amino-acid decarboxylase. Last evaluated: 2021-12-20. Review status: criteria provided, single submitter. Criteria: Invitae Variant Classification Sherloc (09022015). Collection method: clinical testing. Allele origin: germline.
Comment: ClinVar contains an entry for this variant (Variation ID: 1058431). In summary, the available evidence is currently insufficient to determine the role of this variant in disease. Therefore, it has been classified as a Variant of Uncertain Significance. This variant disrupts the p.Arg347 amino acid residue in DDC. Other variant(s) that disrupt this residue have been determined to be pathogenic (PMID: 17240182, 23430870, 24865461, 30144970). This suggests that this residue is clinically significant, and that variants that disrupt this residue are likely to be disease-causing. Algorithms developed to predict the effect of missense changes on protein structure and function are either unavailable or do not agree on the potential impact of this missense change (SIFT: "Tolerated"; PolyPhen-2: "Possibly Damaging"; Align-GVGD: "Class C0"). This variant has not been reported in the literature in individuals affected with DDC-related conditions. The frequency data for this variant in the population databases is considered unreliable, as metrics indicate poor data quality at this position in the gnomAD database. This sequence change replaces arginine, which is basic and polar, with tryptophan, which is neutral and slightly polar, at codon 347 of the DDC protein (p.Arg347Trp).

Juno Genomics, Hangzhou Juno Genomics, Inc
Classification: Uncertain significance for Deficiency of aromatic-L-amino-acid decarboxylase. Review status: criteria provided, single submitter. Criteria: ACMG Guidelines, 2015. Collection method: clinical testing. Allele origin: germline. Affected: yes.
Comment: Absent from controls (or at extremely low frequency if recessive) in Genome Aggregation Database, Exome Sequencing Project, 1000 Genomes Project, or Exome Aggregation Consortium.;Novel missense change at an amino acid residue where a different missense change determined to be pathogenic has been seen before.;For recessive disorders, detected in trans with a pathogenic variant.

Literature cited by the submitters: PubMed 36427457 (cited by Women's Health and Genetics/Laboratory Corporation of America, LabCorp); PubMed 37453860 (cited by Women's Health and Genetics/Laboratory Corporation of America, LabCorp); PubMed 17240182 (cited by Labcorp Genetics (formerly Invitae), Labcorp); PubMed 23430870 (cited by Labcorp Genetics (formerly Invitae), Labcorp); PubMed 24865461 (cited by Labcorp Genetics (formerly Invitae), Labcorp); PubMed 30144970 (cited by Labcorp Genetics (formerly Invitae), Labcorp).

NM_001082971.2(DDC):c.1039C>T (p.Arg347Trp)

Gene: DDC (dopa decarboxylase; minus strand). Cytogenetic location: 7p12.2.
Variant type: single nucleotide variant.
Coding change: c.1039C>T on transcript NM_001082971.2 (MANE Select); coding-DNA position 1039, C replaced by T.
Protein change: p.Arg347Trp; replaces arginine 347 with tryptophan.
Molecular consequence: missense variant.
Genome position (GRCh38, 1-based): chr7:50,476,626, G>A on the plus strand (C>T on the coding strand, the complement: DDC is on the minus strand). VCF-style: chr7-50476626-G-A. GRCh37 (hg19) VCF-style: chr7-50544324-G-A.
Other names: c.1039C>T, p.Arg347Trp (NM_000790.4); c.925C>T, p.Arg309Trp (NM_001242886.2); c.895C>T, p.Arg299Trp (NM_001242887.2); c.805C>T, p.Arg269Trp (NM_001242888.2); c.760C>T, p.Arg254Trp (NM_001242889.2); short protein forms R254W, R269W, R299W, R309W, R347W.
Identifiers: ClinVar variation 1058431 (VCV001058431.10), dbSNP rs773990125, ClinGen allele CA4262094.